The following is an entry in ClinVar:

NM_014714.4(IFT140):c.4125C>T (p.Ile1375=)

Gene: IFT140 (intraflagellar transport 140; minus strand). Cytogenetic location: 16p13.3.
Variant type: single nucleotide variant.
Coding change: c.4125C>T on transcript NM_014714.4 (MANE Select); coding-DNA position 4125, C replaced by T.
Protein change: p.Ile1375=; no amino-acid change (isoleucine 1375 retained).
Molecular consequence: synonymous variant.
Genome position (GRCh38, 1-based): chr16:1,518,273, G>A on the plus strand (C>T on the coding strand, the complement: IFT140 is on the minus strand). VCF-style: chr16-1518273-G-A. GRCh37 (hg19) VCF-style: chr16-1568274-G-A.
Other names: c.4125C>T (NM_014714.3).
Identifiers: ClinVar variation 1113911 (VCV001113911.12), dbSNP rs543475833, ClinGen allele CA7812898.

ClinVar aggregate classification (germline): Likely benign. Review status: criteria provided, multiple submitters, no conflicts (2 of 4 stars). 3 submissions from 3 submitters: Likely benign (2). 1 of the submissions does not count toward it. Last evaluated 2025-11-09.

Conditions:
IFT140-related disorder. Also called: IFT140-related condition.
Saldino-Mainzer syndrome (SRTD9). Also called: CONORENAL SYNDROME; Renal dysplasia, retinal pigmentary dystrophy, cerebellar ataxia and skeletal dysplasia; SHORT-RIB THORACIC DYSPLASIA 9 WITHOUT POLYDACTYLY; short-rib thoracic dysplasia 9 with or without polydactyly. Identifiers: Orphanet 140969, MedGen C1849437, MONDO:0009964, OMIM 266920.

Allele frequency attached by ClinVar (database versions not stated): gnomAD exomes 0.00001 and 0.00004; ExAC 0.00003; gnomAD 0.00008 and 0.00011; TOPMed 0.00009; 1000 Genomes Project 30x 0.00016; 1000 Genomes Project 0.00020.
gnomAD v4.1: 42 of 1,614,104 alleles (0.0026%); highest among the groups gnomAD compares: African/African-American, 0.016%; no homozygotes.

Submissions (3):

Labcorp Genetics (formerly Invitae), Labcorp
Classification: Likely benign for Saldino-Mainzer syndrome. Last evaluated: 2025-11-09. Review status: criteria provided, single submitter. Criteria: Invitae Variant Classification Sherloc (09022015). Collection method: clinical testing. Allele origin: germline.

Blueprint Genetics
Classification: Likely benign. Last evaluated: 2022-07-08. Review status: criteria provided, single submitter. Criteria: ACMG Guidelines, 2015. Collection method: clinical testing. Allele origin: germline.

PreventionGenetics, part of Exact Sciences
Classification: Likely benign for IFT140-related condition. Last evaluated: 2022-10-07. Review status: no assertion criteria provided. Collection method: clinical testing. Allele origin: germline. Not counted in ClinVar's aggregate classification.
Comment: This variant is classified as likely benign based on ACMG/AMP sequence variant interpretation guidelines (Richards et al. 2015 PMID: 25741868, with internal and published modifications).